The following is an entry in ClinVar:

ClinVar aggregate classification (germline): Conflicting classifications of pathogenicity. Review status: criteria provided, conflicting classifications (1 of 4 stars). 4 submissions from 4 submitters: Pathogenic (1); Likely pathogenic (2); Uncertain significance (1). Last evaluated 2024-06-30.

Conditions:
Pontocerebellar hypoplasia type 6 (PCH6). Identifiers: Orphanet 166073, MedGen C1969084, MONDO:0012683, OMIM 611523.

Submissions (4):

Natera, Inc.
Classification: Likely pathogenic for Pontocerebellar hypoplasia, type 6. Last evaluated: 2024-06-30. Review status: criteria provided, single submitter. Criteria: Natera Variant Classification Schema (03/2026). Collection method: clinical testing. Allele origin: germline.
Comment: The c.1A>C variant in RARS2 is predicted to result in start loss due to disruption of the initiator methionine. This variant is expected to result in nonsense mediated decay, truncation, or a dysfunctional protein product. This variant is rare in the general population with a frequency below the threshold expected for the associated phenotype(s). Given the available evidence, this variant is classified as Likely Pathogenic.

Fulgent Genetics
Classification: Likely pathogenic for Pontocerebellar hypoplasia type 6. Last evaluated: 2024-02-15. Review status: criteria provided, single submitter. Criteria: ACMG Guidelines, 2015. Collection method: clinical testing. Allele origin: germline.

Labcorp Genetics (formerly Invitae), Labcorp
Classification: Pathogenic. Last evaluated: 2023-03-09. Review status: criteria provided, single submitter. Criteria: Invitae Variant Classification Sherloc (09022015). Collection method: clinical testing. Allele origin: germline.
Comment: This variant is present in population databases (rs774923951, gnomAD 0.004%). Disruption of the initiator codon has been observed in individual(s) with pontocerebellar hypoplasia (PMID: 26083569, 26795593, 32860008). In at least one individual the data is consistent with being in trans (on the opposite chromosome) from a pathogenic variant. It has also been observed to segregate with disease in related individuals. ClinVar contains an entry for this variant (Variation ID: 1457359). This variant disrupts a region of the RARS2 protein in which other variant(s) (p.Lys158del) have been determined to be pathogenic (PMID: 22086604, 27061686). This suggests that this is a clinically significant region of the protein, and that variants that disrupt it are likely to be disease-causing. For these reasons, this variant has been classified as Pathogenic. This sequence change affects the initiator methionine of the RARS2 mRNA. The next in-frame methionine is located at codon 176.

Juno Genomics, Hangzhou Juno Genomics, Inc
Classification: Uncertain significance for Pontocerebellar hypoplasia type 6. Review status: criteria provided, single submitter. Criteria: ACMG Guidelines, 2015. Collection method: clinical testing. Allele origin: germline.
Comment: Absent from controls (or at extremely low frequency if recessive) in Genome Aggregation Database.;Null variant in a gene where loss of function (LOF) is a known mechanism of disease.;Same amino acid change as a previously established pathogenic variant regardless of nucleotide change.

Literature cited by the submitters: PubMed 26083569 (cited by Labcorp Genetics (formerly Invitae), Labcorp); PubMed 26795593 (cited by Labcorp Genetics (formerly Invitae), Labcorp); PubMed 32860008 (cited by Labcorp Genetics (formerly Invitae), Labcorp); PubMed 22086604 (cited by Labcorp Genetics (formerly Invitae), Labcorp); PubMed 27061686 (cited by Labcorp Genetics (formerly Invitae), Labcorp).

NM_020320.5(RARS2):c.1A>C (p.Met1Leu)

Gene: RARS2 (arginyl-tRNA synthetase 2, mitochondrial; minus strand). Cytogenetic location: 6q15.
Variant type: single nucleotide variant.
Coding change: c.1A>C on transcript NM_020320.5 (MANE Select); coding-DNA position 1, A replaced by C.
Protein change: p.Met1Leu; changes the start codon (methionine 1).
Molecular consequence: missense variant, initiator codon variant. On other transcripts: 5 prime UTR variant (7), non-coding transcript variant (23).
Genome position (GRCh38, 1-based): chr6:87,589,957, T>G on the plus strand (A>C on the coding strand, the complement: RARS2 is on the minus strand). VCF-style: chr6-87589957-T-G. GRCh37 (hg19) VCF-style: chr6-88299675-T-G.
Other names: c.1A>C (NM_020320.4); c.-690A>C (NM_001318785.2); c.1A>C, p.Met1Leu (NM_001350505.2); c.-746A>C (NM_001350506.2, NM_001350510.2); c.-869A>C (NM_001350507.2); c.-908A>C (NM_001350508.2); c.-616A>C (NM_001350509.2); c.-865A>C (NM_001350511.2); short protein forms M1L.
Identifiers: ClinVar variation 1457359 (VCV001457359.11), dbSNP rs774923951, ClinGen allele CA3916862.